The following is an entry in ClinVar:

ClinVar aggregate classification (germline): Uncertain significance (1 of 4 stars; one submission).

Submission:

Labcorp Genetics (formerly Invitae), Labcorp
Classification: Uncertain significance. Last evaluated: 2025-08-24. Review status: criteria provided, single submitter. Criteria: Invitae Variant Classification Sherloc (09022015). Collection method: clinical testing. Allele origin: germline.
Comment: This sequence change replaces glycine, which is neutral and non-polar, with glutamic acid, which is acidic and polar, at codon 77 of the MYLK3 protein (p.Gly77Glu). This variant is not present in population databases (gnomAD no frequency). This variant has not been reported in the literature in individuals affected with MYLK3-related conditions. An algorithm developed to predict the effect of missense changes on protein structure and function outputs the following: PolyPhen-2: "Benign". The glutamic acid amino acid residue is found in multiple mammalian species, which suggests that this missense change does not adversely affect protein function. In summary, the available evidence is currently insufficient to determine the role of this variant in disease. Therefore, it has been classified as a Variant of Uncertain Significance.

NM_182493.3(MYLK3):c.230G>A (p.Gly77Glu)

Gene: MYLK3 (myosin light chain kinase 3; minus strand). Cytogenetic location: 16q11.2.
Variant type: single nucleotide variant.
Coding change: c.230G>A on transcript NM_182493.3 (MANE Select); coding-DNA position 230, G replaced by A.
Protein change: p.Gly77Glu; replaces glycine 77 with glutamic acid.
Molecular consequence: missense variant. On other transcripts: intron variant (1).
Genome position (GRCh38, 1-based): chr16:46,747,964, C>T on the plus strand (G>A on the coding strand, the complement: MYLK3 is on the minus strand). VCF-style: chr16-46747964-C-T. GRCh37 (hg19) VCF-style: chr16-46781876-C-T.
Other names: c.-113-7817G>A (NM_001308301.1); short protein forms G77E.
Identifiers: ClinVar variation 4778259 (VCV004778259.1).